The following is an entry in ClinVar:

NM_203447.4(DOCK8):c.3086C>T (p.Ser1029Leu)

Gene: DOCK8 (dedicator of cytokinesis 8; plus strand). Cytogenetic location: 9p24.3.
Variant type: single nucleotide variant.
Coding change: c.3086C>T on transcript NM_203447.4 (MANE Select); coding-DNA position 3086, C replaced by T.
Protein change: p.Ser1029Leu; replaces serine 1029 with leucine.
Molecular consequence: missense variant.
Genome position (GRCh38, 1-based): chr9:396,900, C>T. VCF-style: chr9-396900-C-T. GRCh37 (hg19) VCF-style: chr9-396900-C-T.
Other names: c.2786C>T, p.Ser929Leu (NM_001190458.2); c.2882C>T, p.Ser961Leu (NM_001193536.2); short protein forms S1029L, S929L, S961L.
Identifiers: ClinVar variation 2959715 (VCV002959715.3), dbSNP rs776318168, ClinGen allele CA4958490.

ClinVar aggregate classification (germline): Uncertain significance. Review status: criteria provided, multiple submitters, no conflicts (2 of 4 stars). 2 submissions from 2 submitters: Uncertain significance (2). Last evaluated 2024-07-28.

Conditions:
Inborn genetic diseases. Identifiers: MedGen C0950123, MeSH D030342.

Allele frequency attached by ClinVar (database versions not stated): ExAC 0.00001; gnomAD exomes 0.00002; TOPMed 0.00002; gnomAD 0.00003.
gnomAD v4.1: 30 of 1,614,012 alleles (0.0019%); highest among the groups gnomAD compares: Non-Finnish European, 0.0023%; no homozygotes.

Submissions (2):

Labcorp Genetics (formerly Invitae), Labcorp
Classification: Uncertain significance for Combined immunodeficiency due to DOCK8 deficiency. Last evaluated: 2024-07-28. Review status: criteria provided, single submitter. Criteria: Invitae Variant Classification Sherloc (09022015). Collection method: clinical testing. Allele origin: germline.
Comment: This sequence change replaces serine, which is neutral and polar, with leucine, which is neutral and non-polar, at codon 1029 of the DOCK8 protein (p.Ser1029Leu). This variant is present in population databases (rs776318168, gnomAD 0.003%). This variant has not been reported in the literature in individuals affected with DOCK8-related conditions. Advanced modeling of protein sequence and biophysical properties (such as structural, functional, and spatial information, amino acid conservation, physicochemical variation, residue mobility, and thermodynamic stability) performed at Invitae indicates that this missense variant is not expected to disrupt DOCK8 protein function with a negative predictive value of 80%. In summary, the available evidence is currently insufficient to determine the role of this variant in disease. Therefore, it has been classified as a Variant of Uncertain Significance.

Ambry Genetics
Classification: Uncertain significance for Inborn genetic diseases. Last evaluated: 2023-12-11. Review status: criteria provided, single submitter. Criteria: Ambry Variant Classification Scheme 2023. Collection method: clinical testing. Allele origin: germline.